The following is an entry in ClinVar:

ClinVar aggregate classification (germline): Benign. Review status: criteria provided, multiple submitters, no conflicts (2 of 4 stars). 10 submissions from 10 submitters: Benign (9). 1 of the submissions does not count toward it. Last evaluated 2026-02-04.

Conditions:
Inborn genetic diseases. Identifiers: MedGen C0950123, MeSH D030342.
Alpha-1-antitrypsin deficiency (A1ATD). Also called: AAT deficiency; A1AT deficiency; Alpha1-Antitrypsin Deficiency. Identifiers: Orphanet 60, MedGen C0221757, MONDO:0013282, OMIM 613490.

Allele frequency attached by ClinVar (database versions not stated): ESP Exome Variant Server 0.01776; gnomAD exomes 0.02631 and 0.03916; gnomAD 0.03081 and 0.03085; ExAC 0.03132; 1000 Genomes Project 0.03355; 1000 Genomes Project 30x 0.03654; TOPMed 0.03954.

Submissions (10):

Labcorp Genetics (formerly Invitae), Labcorp
Classification: Benign for Alpha-1-antitrypsin deficiency. Last evaluated: 2026-02-04. Review status: criteria provided, single submitter. Criteria: Invitae Variant Classification Sherloc (09022015). Collection method: clinical testing. Allele origin: germline.

Women's Health and Genetics/Laboratory Corporation of America, LabCorp
Classification: Benign. Last evaluated: 2023-04-17. Review status: criteria provided, single submitter. Criteria: LabCorp Variant Classification Summary - May 2015. Collection method: clinical testing. Allele origin: germline.

Mayo Clinic Laboratories, Mayo Clinic
Classification: Benign. Last evaluated: 2022-02-28. Review status: criteria provided, single submitter. Criteria: ACMG Guidelines, 2015. Collection method: clinical testing. Allele origin: germline. Observed: 51 variant alleles.

GeneDx
Classification: Benign. Last evaluated: 2018-07-09. Review status: criteria provided, single submitter. Criteria: GeneDx Variant Classification Process June 2021. Collection method: clinical testing. Allele origin: germline. Affected: yes.

Illumina Laboratory Services, Illumina
Classification: Benign for Alpha-1-antitrypsin deficiency. Last evaluated: 2018-01-13. Review status: criteria provided, single submitter. Criteria: ICSL Variant Classification Criteria 13 December 2019. Collection method: clinical testing. Allele origin: germline.
Comment: This variant was observed in the ICSL laboratory as part of a predisposition screen in an ostensibly healthy population. It had not been previously curated by ICSL or reported in the Human Gene Mutation Database (HGMD: prior to June 1st, 2018), and was therefore a candidate for classification through an automated scoring system. Utilizing variant allele frequency, disease prevalence and penetrance estimates, and inheritance mode, an automated score was calculated to assess if this variant is too frequent to cause the disease. Based on the score and internal cut-off values, a variant classified as benign is not then subjected to further curation. The score for this variant resulted in a classification of benign for this disease.

Ambry Genetics
Classification: Benign for Inborn genetic diseases. Last evaluated: 2017-11-28. Review status: criteria provided, single submitter. Criteria: Ambry Variant Classification Scheme 2023. Collection method: clinical testing. Allele origin: germline.

Laboratory for Molecular Medicine, Mass General Brigham Personalized Medicine
Classification: Benign. Last evaluated: 2013-02-21. Review status: criteria provided, single submitter. Criteria: LMM Criteria. Collection method: clinical testing. Allele origin: germline. Observed: 1 variant allele.
Comment: Leu142Leu in exon 4 of SERPINA1: This variant is not expected to have clinical s ignificance because it does not alter an amino acid residue and is not located w ithin the splice consensus sequence. It has been identified in 2.4% (204/8600) o f European American chromosomes from a broad population by the NHLBI Exome Seque ncing Project (dbSNP rs20546).

Breakthrough Genomics
Classification: Benign. Review status: criteria provided, single submitter. Criteria: ACMG Guidelines, 2015. Collection method: not provided. Allele origin: germline. Inheritance: Autosomal recessive inheritance. Affected: yes.

PreventionGenetics, part of Exact Sciences
Classification: Benign. Review status: criteria provided, single submitter. Criteria: ACMG Guidelines, 2015. Collection method: clinical testing. Allele origin: germline.

Department of Laboratory Medicine and Genetics, Trillium Health Partners Credit Valley Hospital
Classification: Benign for Alpha-1-antitrypsin deficiency. Last evaluated: 2014-12-08. Review status: no assertion criteria provided. Collection method: clinical testing. Allele origin: germline. Affected: no. Not counted in ClinVar's aggregate classification.

NM_000295.5(SERPINA1):c.424C>T (p.Leu142=)

Gene: SERPINA1 (serpin family A member 1; minus strand). Cytogenetic location: 14q32.13.
Variant type: single nucleotide variant.
Coding change: c.424C>T on transcript NM_000295.5 (MANE Select); coding-DNA position 424, C replaced by T.
Protein change: p.Leu142=; no amino-acid change (leucine 142 retained).
Molecular consequence: synonymous variant.
Genome position (GRCh38, 1-based): chr14:94,382,814, G>A on the plus strand (C>T on the coding strand, the complement: SERPINA1 is on the minus strand). VCF-style: chr14-94382814-G-A. GRCh37 (hg19) VCF-style: chr14-94849151-G-A.
Other names: p.Leu142=; c.424C>T, p.Leu142= (NM_001002235.3, NM_001002236.3, NM_001127700.2 and 7 more transcripts).
Identifiers: ClinVar variation 178806 (VCV000178806.26), dbSNP rs20546, ClinGen allele CA183072.